The following is an entry in ClinVar:

NM_016306.6(DNAJB11):c.456+3_456+6del

Gene: DNAJB11 (DnaJ heat shock protein family (Hsp40) member B11; plus strand). Cytogenetic location: 3q27.3.
Variant type: Microsatellite.
Coding change: c.456+3_456+6del on transcript NM_016306.6 (MANE Select); bases 3 to 6 of the intron after coding-DNA position 456, 4 bases deleted (AAGT; older notation c.456+3_456+6delAAGT).
Molecular consequence: splice donor variant. On other transcripts: intron variant (1).
Genome position (GRCh38, 1-based): chr3:186,577,803-186,577,806, AAGT deleted; deleting any 4 consecutive bases within chr3:186,577,799-186,577,806 gives the same sequence; the c. name uses the placement nearest the transcript's 3' end. VCF-style (leftmost placement, unchanged base first): chr3-186577798-GAAGT-G. GRCh37 (hg19) VCF-style: chr3-186295587-GAAGT-G.
Other names: c.323+1866_323+1869del (NM_001378451.1).
Identifiers: ClinVar variation 4879704 (VCV004879704.1).
Genomic context (GRCh38, chr3:186,577,798, plus strand): 5'-AGTGATATTATTGTAGATCTAGAAGTCACTTTGGAAGAAGTATATGCAGGAAATTTTGTG[GAAGT>G]AAGTTCAAACAATATAGCTGTTCATATTGACTCCCAGAACTTGCACTTTTGACTAAAAAT-3'

ClinVar aggregate classification (germline): Uncertain significance (1 of 4 stars; one submission).

Conditions:
Polycystic kidney disease 6 with or without polycystic liver disease. Also called: Autosomal Dominant Polycystic Kidney Disease-DNAJB11. Identifiers: MedGen C4748044, MONDO:0054842, OMIM 618061.

Submission:

Victorian Clinical Genetics Services, Murdoch Childrens Research Institute
Classification: Uncertain significance for Polycystic kidney disease 6 with or without polycystic liver disease. Last evaluated: 2026-06-01. Review status: criteria provided, single submitter. Criteria: ACMG Guidelines, 2015. Collection method: clinical testing. Allele origin: germline. Affected: yes.
Comment: This variant is classified as VUS-3A. Evidence in support of pathogenic classification: Non-canonical splice site variant without proven consequence on splicing (no functional evidence available); Variant is present in gnomAD <0.001 for a dominant condition (v4: 3 heterozygote(s), 0 homozygote(s)) - This variant has limited previous evidence of pathogenicity in an unrelated individual(s). This variant has been reported as heterozygous in two members of a family with a history of chronic kidney disease; one of these individuals had renal cysts (PMID: 38275584); This variant has limited evidence for segregation with disease. This variant has been shown to segregate in a family with a history of chronic kidney disease, with two cousins confirmed heterozygotes (PMID: 38275584); Abnormal splicing is predicted by in silico tool and affected nucleotide is highly conserved. Additional information: This variant is heterozygous; This gene is associated with autosomal dominant disease. However, there is emerging evidence of a recessive association (PMID: 33129895, 34177435); No published functional evidence has been identified for this variant; Another non-canonical splice variant(s) comparable to the one identified in this case has inconclusive previous evidence for pathogenicity. c.456+3A>G has been classified as a VUS by a clinical laboratory in ClinVar. - Loss of function is a known mechanism of disease in this gene and is associated with polycystic kidney disease 6 with or without polycystic liver disease (MIM#618061); Inheritance information for this variant is not currently available in this individual.

Literature cited by the submitters: PubMed 34177435; PubMed 38275584; PubMed 33129895.